The following is an entry in ClinVar:

ClinVar aggregate classification (germline): Likely pathogenic (1 of 4 stars; one submission).

Conditions:
SCOTT SYNDROME (SCTS). Also called: BLEEDING ABNORMALITY DUE TO DEFICIENCY OF PLATELET BINDING OF FACTOR X; BLEEDING DISORDER, PLATELET-TYPE, 7; PROTHROMBIN CONSUMPTION DEFICIENCY; PROTHROMBIN CONSUMPTION INHIBITOR, FAMILIAL; PROTHROMBIN CONVERSION DEFECT, FAMILIAL; Platelet factor X receptor deficiency. Identifiers: Orphanet 806, MedGen C0796149, MONDO:0009885, OMIM 262890.

gnomAD v4.1: 3 of 1,612,892 alleles (0.00019%); highest among the groups gnomAD compares: Non-Finnish European, 0.00025%; no homozygotes.

Submission:

Juno Genomics, Hangzhou Juno Genomics, Inc
Classification: Likely pathogenic for SCOTT SYNDROME. Review status: criteria provided, single submitter. Criteria: ACMG Guidelines, 2015. Collection method: clinical testing. Allele origin: germline.
Comment: Null variant in a gene where loss of function (LOF) is a known mechanism of disease.;Absent from controls (or at extremely low frequency if recessive) in Genome Aggregation Database.

NM_001025356.3(ANO6):c.2434C>T (p.Arg812Ter)

Gene: ANO6 (anoctamin 6; plus strand). Cytogenetic location: 12q12.
Variant type: single nucleotide variant.
Coding change: c.2434C>T on transcript NM_001025356.3 (MANE Select); coding-DNA position 2434, C replaced by T.
Protein change: p.Arg812Ter; replaces arginine 812 with a stop codon.
Molecular consequence: nonsense.
Genome position (GRCh38, 1-based): chr12:45,422,970, C>T. VCF-style: chr12-45422970-C-T. GRCh37 (hg19) VCF-style: chr12-45816753-C-T.
Other names: c.2380C>T, p.Arg794Ter (NM_001142678.2); c.2434C>T, p.Arg812Ter (NM_001142679.2); c.2497C>T, p.Arg833Ter (NM_001204803.2); c.2401C>T, p.Arg801Ter (NM_001410973.1); short protein forms R794*, R801*, R812*, R833*.
Identifiers: ClinVar variation 5005100 (VCV005005100.2).